The following is an entry in ClinVar:

ClinVar aggregate classification (germline): Uncertain significance. Review status: criteria provided, multiple submitters, no conflicts (2 of 4 stars). 2 submissions from 2 submitters: Uncertain significance (2). Last evaluated 2023-11-16.

Conditions:
Rubinstein-Taybi syndrome due to CREBBP mutations (RSTS1). Also called: RUBINSTEIN-TAYBI SYNDROME 1, INCOMPLETE; BROAD THUMB-HALLUX SYNDROME; Rubinstein-Taybi syndrome 1; BROAD THUMBS AND GREAT TOES, CHARACTERISTIC FACIES, AND IMPAIRED INTELLECTUAL DEVELOPMENT; CREBBP-Related Rubinstein-Taybi Syndrome; RUBINSTEIN SYNDROME. Identifiers: Orphanet 353277, Orphanet 783, MedGen C4551859, MONDO:0008393, OMIM 180849.
Rubinstein-Taybi syndrome (RSTS). Identifiers: Orphanet 783, MedGen C0035934, MONDO:0019188.

gnomAD v4.1: 1 of 1,614,182 alleles (0.000062%); highest among the groups gnomAD compares: Non-Finnish European, 0.000085%; no homozygotes.

Submissions (2):

Labcorp Genetics (formerly Invitae), Labcorp
Classification: Uncertain significance for Rubinstein-Taybi syndrome. Last evaluated: 2023-11-16. Review status: criteria provided, single submitter. Criteria: Invitae Variant Classification Sherloc (09022015). Collection method: clinical testing. Allele origin: germline.
Comment: This sequence change replaces serine, which is neutral and polar, with glycine, which is neutral and non-polar, at codon 1364 of the CREBBP protein (p.Ser1364Gly). This variant is not present in population databases (gnomAD no frequency). This variant has not been reported in the literature in individuals affected with CREBBP-related conditions. Advanced modeling of protein sequence and biophysical properties (such as structural, functional, and spatial information, amino acid conservation, physicochemical variation, residue mobility, and thermodynamic stability) performed at Invitae indicates that this missense variant is not expected to disrupt CREBBP protein function with a negative predictive value of 95%. In summary, the available evidence is currently insufficient to determine the role of this variant in disease. Therefore, it has been classified as a Variant of Uncertain Significance.

MVZ Martinsried, Medicover Genetics
Classification: Uncertain significance for Rubinstein-Taybi syndrome due to CREBBP mutations. Last evaluated: 2023-11-09. Review status: criteria provided, single submitter. Criteria: ACGS Guidelines, 2020. Collection method: clinical testing. Allele origin: inherited.

NM_004380.3(CREBBP):c.4090A>G (p.Ser1364Gly)

Gene: CREBBP (CREB binding lysine acetyltransferase; minus strand). Cytogenetic location: 16p13.3.
Variant type: single nucleotide variant.
Coding change: c.4090A>G on transcript NM_004380.3 (MANE Select); coding-DNA position 4090, A replaced by G.
Protein change: p.Ser1364Gly; replaces serine 1364 with glycine.
Molecular consequence: missense variant.
Genome position (GRCh38, 1-based): chr16:3,740,442, T>C on the plus strand (A>G on the coding strand, the complement: CREBBP is on the minus strand). VCF-style: chr16-3740442-T-C. GRCh37 (hg19) VCF-style: chr16-3790443-T-C.
Other names: c.3976A>G, p.Ser1326Gly (NM_001079846.1); short protein forms S1326G, S1364G.
Identifiers: ClinVar variation 2683988 (VCV002683988.4), dbSNP rs2548370301, ClinGen allele CA394565292.
Genomic context (GRCh38, chr16:3,740,442, plus strand): 5'-AGAGCAGGCACACTGACCGTGACTTCATCCCGGGCTTGACCTCCACCGTCTTGTCTGAGC[T>C]GGCCACCACTCGGACAAAAACCTCCCCGGCTTCAGGGTGATTCTGGCGCCGCAAAAATTT-3'
Protein context (NP_004371.2, residues 1354-1374): AGEVFVRVVA[Ser1364Gly]SDKTVEVKPG